The following is an entry in ClinVar:

ClinVar aggregate classification (germline): Likely pathogenic. Review status: criteria provided, multiple submitters, no conflicts (2 of 4 stars). 2 submissions from 2 submitters: Likely pathogenic (2). Last evaluated 2026-03-01.

Conditions:
Distal arthrogryposis type 2B1 (DA2B1). Also called: Arthrogryposis multiplex congenita distal type II with craniofacial abnormalities. Identifiers: Orphanet 1147, MedGen C5193014, MONDO:0020820, OMIM 601680.

Submissions (2):

Centro Nacional de Genética Medica, Administración Nacional de Laboratorios e Institutos de Salud (ANLIS) “Dr. Carlos G Malbrán”
Classification: Likely pathogenic for Distal arthrogryposis type 2B1. Last evaluated: 2026-03-01. Review status: criteria provided, single submitter. Criteria: ACMG Guidelines, 2015. Collection method: clinical testing. Allele origin: germline. Affected: yes. Observed: 1 variant allele.
Comment: This variant corresponds to a missense mutation in the coding sequence of exon 7/8 of the TNNI2 gene, resulting in the replacement of the basic charged amino acid lysine at position 106 with glutamic acid (an acidic charged amino acid). The variant is located in the troponin functional domain (PF00992). This domain is capable of binding to actin and TNC to exert its regulatory effect (PM1). This variant is absent from population databases such as GnomAD, ExAc, and 1000 Genomes (PM2_Supporting). Most bioinformatics predictors classify the variant as deleterious, suggesting that the p.Lys106Glu change would affect protein activity (Revel: Deleterious Moderate 0.88, AlphaMissense: Deleterious Strong 0.994, BayesDel: Deleterious Supporting 0.21) (PP3_Moderate). The patient's phenotype is highly specific for DA2B1, and the variant found in the TNNI2 gene would explain her clinical presentation (PP4). Based on the above and following the international rules of the American College of Medical Genetics (ACMG), the c.316A>G variant identified in heterozygosity in the TNNI2 gene is classified as Probably Pathogenic (PM1, PM2_Supporting, PM6_Supporting, PP3_Moderate, and PP4).

GeneDx
Classification: Likely pathogenic. Last evaluated: 2020-01-27. Review status: criteria provided, single submitter. Criteria: GeneDx Variant Classification Process June 2021. Collection method: clinical testing. Allele origin: germline. Affected: yes.
Comment: Has not been previously published as pathogenic or benign to our knowledge; Not observed in large population cohorts (Lek et al., 2016); In silico analysis, which includes protein predictors and evolutionary conservation, supports a deleterious effect

NM_003282.4(TNNI2):c.316A>G (p.Lys106Glu)

Gene: TNNI2 (troponin I2, fast skeletal type; plus strand). Cytogenetic location: 11p15.5.
Variant type: single nucleotide variant.
Coding change: c.316A>G on transcript NM_003282.4 (MANE Select); coding-DNA position 316, A replaced by G.
Protein change: p.Lys106Glu; replaces lysine 106 with glutamic acid.
Molecular consequence: missense variant.
Genome position (GRCh38, 1-based): chr11:1,841,070, A>G. VCF-style: chr11-1841070-A-G. GRCh37 (hg19) VCF-style: chr11-1862300-A-G.
Other names: c.316A>G, p.Lys106Glu (NM_001145829.2, NM_001145841.2); short protein forms K106E.
Identifiers: ClinVar variation 1212076 (VCV001212076.4), dbSNP rs2133035336, ClinGen allele CA379106493.
Genomic context (GRCh38, chr11:1,841,070, plus strand): 5'-ACCCGGCTCCCCTGCCCACAGCTGGAGGACATGAACCAGAAGCTATTTGATCTGCGGGGC[A>G]AGTTCAAGCGGCCCCCACTGCGGAGGGTGCGCATGTCGGCCGATGCCATGCTCAAGGCCC-3'
Protein context (NP_003273.1, residues 96-116): MNQKLFDLRG[Lys106Glu]FKRPPLRRVR